The following is an entry in ClinVar:

NM_004477.3(FRG1):c.368G>A (p.Gly123Glu)

Gene: FRG1 (FSHD region gene 1; plus strand). Cytogenetic location: 4q35.2.
Variant type: single nucleotide variant.
Coding change: c.368G>A on transcript NM_004477.3 (MANE Select); coding-DNA position 368, G replaced by A.
Protein change: p.Gly123Glu; replaces glycine 123 with glutamic acid.
Molecular consequence: missense variant.
Genome position (GRCh38, 1-based): chr4:189,955,087, G>A. VCF-style: chr4-189955087-G-A. GRCh37 (hg19) VCF-style: chr4-190876242-G-A.
Other names: short protein forms G123E.
Identifiers: ClinVar variation 3059649 (VCV003059649.2), dbSNP rs1061653, ClinGen allele CA112722310.
Genomic context (GRCh38, chr4:189,955,087, plus strand): 5'-TAATGTACAGAATCGCCCTGAAGTCTGGCTATGGAAAATATCTTGGTATAAATTCAGATG[G>A]ACTTGTTGTTGGGCGTTCAGATGCAATTGGACCAAGAGAACAATGGGAACCAGTCTTTCA-3'
Protein context (NP_004468.1, residues 113-133): YGKYLGINSD[Gly123Glu]LVVGRSDAIG

ClinVar aggregate classification (germline): Likely benign (0 of 4 stars; one submission).

Conditions:
FRG1-related disorder. Also called: FRG1-related condition.

Allele frequency attached by ClinVar (database versions not stated): ExAC 0.48967.

Submission:

PreventionGenetics, part of Exact Sciences
Classification: Likely benign for FRG1-related condition. Last evaluated: 2021-11-11. Review status: no assertion criteria provided. Collection method: clinical testing. Allele origin: germline.
Comment: This variant is classified as likely benign based on ACMG/AMP sequence variant interpretation guidelines (Richards et al. 2015 PMID: 25741868, with internal and published modifications).